The following is an entry in ClinVar:

ClinVar aggregate classification (germline): Uncertain significance (1 of 4 stars; one submission).

Submission:

Dasa
Classification: Uncertain significance. Last evaluated: 2026-05-17. Review status: criteria provided, single submitter. Criteria: DASA Assertion Criteria. Collection method: clinical testing. Allele origin: germline.
Comment: NM_000368.5(TSC1):c.1598C>T (p.Pro533Leu) is a missense variant that results in the substitution of proline with leucine. This variant is rare in population databases. The currently available literature and clinical evidence are not sufficient to establish a definitive association between this variant and the reported condition. Therefore, this variant is classified as a variant of uncertain significance.

NM_000368.5(TSC1):c.1598C>T (p.Pro533Leu)

Gene: TSC1 (TSC complex subunit 1; minus strand). Cytogenetic location: 9q34.13.
Variant type: single nucleotide variant.
Coding change: c.1598C>T on transcript NM_000368.5 (MANE Select); coding-DNA position 1598, C replaced by T.
Protein change: p.Pro533Leu; replaces proline 533 with leucine.
Molecular consequence: missense variant. On other transcripts: non-coding transcript variant (5).
Genome position (GRCh38, 1-based): chr9:132,905,980, G>A on the plus strand (C>T on the coding strand, the complement: TSC1 is on the minus strand). VCF-style: chr9-132905980-G-A. GRCh37 (hg19) VCF-style: chr9-135781367-G-A.
Other names: c.1232C>T, p.Pro411Leu (NM_001406621.1, NM_001406622.1, NM_001406623.1 and 2 more transcripts); c.1235C>T, p.Pro412Leu (NM_001406624.1, NM_001406616.1, NM_001406617.1 and 5 more transcripts); c.647C>T, p.Pro216Leu (NM_001406626.1); c.644C>T, p.Pro215Leu (NM_001406627.1, NM_001406628.1); c.545C>T, p.Pro182Leu (NM_001406629.1, NM_001406630.1); c.1595C>T, p.Pro532Leu (NM_001406604.1, NM_001406608.1, NM_001406609.1 and 6 more transcripts); c.1598C>T, p.Pro533Leu (NM_001406605.1, NM_001406606.1, NM_001406607.1 and 7 more transcripts); c.1445C>T, p.Pro482Leu (NM_001406610.1, NM_001162427.2); and 1 more; short protein forms P182L, P215L, P216L, P411L, P412L, P481L, P482L, P532L.
Identifiers: ClinVar variation 5020554 (VCV005020554.1).
Genomic context (GRCh38, chr9:132,905,980, plus strand): 5'-GTAAAGGCTTGCTTTGGTGTGTCAGGCCCAAGCTTGTCCAGGGAGGAGTGTAAAGGCTCA[G>A]GGTTCACGCTGGCGCCCTGAGAACTGGAGGCTGCCGAGTGGGTCTTCCGCTGAGAACCTG-3'
Protein context (NP_000359.1, residues 523-543): ASSSQGASVN[Pro533Leu]EPLHSSLDKL